The following is an entry in ClinVar:

NM_145239.3(PRRT2):c.939del (p.Lys314fs)

Genes: MVP-DT (MVP divergent transcript; minus strand), PRRT2 (proline rich transmembrane protein 2; plus strand). Cytogenetic location: 16p11.2.
Variant type: Deletion.
Coding change: c.939del on transcript NM_145239.3 (MANE Select); coding-DNA position 939, one base deleted (C; older notation c.939delC).
Protein change: p.Lys314fs; shifts the reading frame from lysine 314.
Molecular consequence: frameshift variant. On other transcripts: 3 prime UTR variant (1).
Genome position (GRCh38, 1-based): chr16:29,814,392, C deleted; the last of 2 consecutive C bases (chr16:29,814,391-29,814,392); deleting either gives the same sequence. VCF-style (leftmost placement, unchanged base first): chr16-29814390-GC-G. GRCh37 (hg19) VCF-style: chr16-29825711-GC-G.
Other names: c.939del, p.Lys314fs (NM_001256442.2); c.*438del (NM_001256443.2); short protein forms K314fs.
Identifiers: ClinVar variation 3639242 (VCV003639242.2).

ClinVar aggregate classification (germline): Pathogenic (1 of 4 stars; one submission).

Conditions:
Episodic kinesigenic dyskinesia (EKD). Also called: Paroxysmal kinesigenic dyskinesia. Identifiers: Orphanet 98809, MedGen C1868682, MONDO:0044202.

Submission:

Labcorp Genetics (formerly Invitae), Labcorp
Classification: Pathogenic for Episodic kinesigenic dyskinesia. Last evaluated: 2024-02-06. Review status: criteria provided, single submitter. Criteria: Invitae Variant Classification Sherloc (09022015). Collection method: clinical testing. Allele origin: germline.
Comment: This sequence change creates a premature translational stop signal (p.Lys314Serfs*3) in the PRRT2 gene. It is expected to result in an absent or disrupted protein product. Loss-of-function variants in PRRT2 are known to be pathogenic (PMID: 22623405, 22744660). This variant is not present in population databases (gnomAD no frequency). This variant has not been reported in the literature in individuals affected with PRRT2-related conditions. Algorithms developed to predict the effect of sequence changes on RNA splicing suggest that this variant may disrupt the consensus splice site. For these reasons, this variant has been classified as Pathogenic.

Literature cited by the submitters: PubMed 22623405; PubMed 22744660.